The following continues an entry in ClinVar:

NM_001127701.1(SERPINA1):c.1096G>A (p.Glu366Lys)

Gene: SERPINA1. ClinVar aggregate classification (germline): Pathogenic/Likely pathogenic; risk factor. Pathogenic (40); Likely pathogenic (1).

Submissions 32 to 42 of 59:

Laboratory for Molecular Medicine, Mass General Brigham Personalized Medicine
Classification: risk factor for Chronic obstructive pulmonary disease. Last evaluated: 2020-03-04. Review status: criteria provided, single submitter. Criteria: LMM Criteria. Collection method: clinical testing. Allele origin: germline. Observed: 13 variant alleles.
Comment: SERPINA1 c.1096G>A (p.Glu366Lys, commonly known as Z allele or PiMZ) has been associated with increased risk for chronic obstructive pulmonary disease (COPD). This variant has been observed in multiple ethnic backgrounds with highest frequencies in individuals of European non-Finnish ancestry (1.8%, Genome Aggregation Database (gnomAD); rs28929474) and is present in ClinVar (ID: 17967). Large meta-analyses have reported odds ratios of 2.31-3.54 (OR= 2.31 95% CI [1.60-3.35], Hersh 2004, OR=3.54 95% CI [2.14-5.85] Topic 2012) developing COPD in individuals who are heterozygous for this variant. In vitro functional studies provide some evidence that the p.Glu366Lys variant may impact protein function (Fregonese 2008). In summary, this variant is an established risk factor for COPD. SERPINA1 c.1096G>A (p.Glu366Lys, commonly known as Z allele or PiZZ and historically reported as p.Glu342Lys) has been associated with increased risk for chronic obstructive pulmonary disease (COPD). This variant has been observed in multiple ethnic backgrounds with highest frequencies in individuals of European non-Finnish ancestry (1.8%, Genome Aggregation Database (gnomAD); rs28929474) and is present in ClinVar (ID: 17967). A large meta-analysis has reported an odds ratio of 42.42 [95% CI 4.41â€“332.55] (Topic 2012) for developing COPD in individuals who are homozygous for this variant. In vitro functional studies provide some evidence that the p.Glu366Lys variant may impact protein function (Fregonese 2008). In summary, this variant is an established risk factor for COPD.

Myriad Genetics, Inc.
Classification: Pathogenic for Alpha-1-antitrypsin deficiency. Last evaluated: 2019-12-26. Review status: criteria provided, single submitter. Criteria: Myriad Women's Health Autosomal Recessive and X-Linked Classification Criteria (2019). Collection method: clinical testing. Allele origin: unknown.
Comment: NM_000295.4(SERPINA1):c.1096G>A(E366K, aka Z allele) is classified as pathogenic in the context of alpha-1 antitrypsin deficiency. Sources cited for classification include the following: PMID 3264419, 18515255 and 3484754. Classification of NM_000295.4(SERPINA1):c.1096G>A(E366K, aka Z allele) is based on the following criteria: This is a well-established pathogenic variant in the literature that has been observed more frequently in patients with clinical diagnoses than in healthy populations. Please note: this variant was assessed in the context of healthy population screening.

Mendelics
Classification: Pathogenic for Alpha-1-antitrypsin deficiency. Last evaluated: 2019-05-28. Review status: criteria provided, single submitter. Criteria: Mendelics Assertion Criteria 2017. Collection method: clinical testing. Allele origin: unknown.

Eurofins Ntd Llc (ga)
Classification: Pathogenic. Last evaluated: 2018-05-08. Review status: criteria provided, single submitter. Criteria: EGL ClinVar v180209 classification definitions. Collection method: clinical testing. Allele origin: germline. Observed: 194 variant alleles, 155 heterozygotes, 39 homozygotes.

Human Genome Sequencing Center Clinical Lab, Baylor College of Medicine
Classification: Pathogenic for Alpha-1-antitrypsin deficiency. Last evaluated: 2017-06-05. Review status: criteria provided, single submitter. Criteria: ACMG Guidelines, 2015. Collection method: clinical testing. Allele origin: germline.
Comment: The c.1096G>A (p.Glu366Lys) variant in the SERPINA1 gene is a common pathogenic variant for alpha1-antitrypsin deficiency and is referred to the Z allele [PMID 6306478]. This variant has been reported in multiple patients with emphysema and liver disease [PMID 23858502, 19083091, 19444872, 26310624, 22912729]. This variant is common in the general population (up to 1.8%). Individual homozygous for this change have severe alpha-1 antitrypsin deficiency and are at risk to develop emphysema: plasma concentrations of alpha1-antitrypsin in homozygous individuals have been reported to be about 22% compared to normal [PMID 19083091]. Individual compound heterozygous for this change and another pathogenic variant (S allele or null allele) have variable alpha-1 antitrypsin deficiency depending on the allele in trans and are at risk to develop emphysema. This variant is classified as pathogenic. Copy number variant (CNV) analysis or segregation analysis is necessary to assess the apparent homozygosity status of this variant.

Illumina Laboratory Services, Illumina
Classification: Pathogenic for Alpha-1 Antitrypsin Deficiency. Last evaluated: 2016-06-14. Review status: criteria provided, single submitter. Criteria: ICSL Variant Classification 20161018. Collection method: clinical testing. Allele origin: germline.
Comment: The c.1096G>A (p.Glu366Lys) variant is widely reported in the literature and is also known as p.Glu342Lys, or more commonly, the Z allele. The p.Glu366Lys variant is the most common deficiency allele accounting for approximately ninety-five percent of clinically recognized cases of alpha-1 antitrypsin deficiency (AATD) (Stoller et al. 2014) and is reported at a frequency of 0.03030 in Utah residents with northern and western European ancestry from the 1000 Genomes Project. This frequency is high but consistent with disease prevalence. The severity of the AATD depends on genotype, with individuals who are homozygous for the p.Glu366Lys variant being at risk of developing both chronic obstructive pulmonary disease (COPD), including emphysema and liver disease. Homozygosity for the variant is a common cause of neonatal cholestasis. The p.Glu366Lys variant rarely leads to AATD-related symptoms in heterozygous individuals (American Thoracic Society 2003; Stoller et al. 2014). Individuals who are homozygous for the p.Glu366Lys variant have approximately 20% of normal circulating alpha-1-antitrypsin levels and individuals who are heterozygous have approximately 61% (Calapoglu et al. 2009; Bornhurst et al. 2013). The decreased serum levels result in decreased functional activity of the AAT protein (Stoller et al. 2014). At least three studies have demonstrated that the low levels of serum AAT are a result of the p.Glu366Lys variant causing an accumulation of the protein in the endoplasmic reticulum of the hepatocyte with subsequent damage to the cells leading to liver disease (Dycaico et al. 1988; Lomas et al. 1992; Hughes et al. 2014). Bartlett et al. (2009) reported that the p.Glu366Lys variant is also a risk factor for liver disease in individuals with cystic fibrosis. Based on the collective evidence, the p.Glu366Lys variant is classified as pathogenic for alpha-1 antitrypsin deficiency.

Knight Diagnostic Laboratories, Oregon Health and Sciences University
Classification: Pathogenic for Alpha-1-antitrypsin deficiency. Last evaluated: 2016-01-27. Review status: criteria provided, single submitter. Criteria: ACMG Guidelines, 2015. Collection method: clinical testing. Allele origin: germline. Affected: no. Study: CSER-NextGen.
Comment: In homozygous state this variant is the majorcause of severe alpha-1 antitrypsin deficiency (95%) and the mutant protein level is only 10-15% of the normal protein

Center for Genomics, Ann and Robert H. Lurie Children's Hospital of Chicago
Classification: Pathogenic for Alpha-1-antitrypsin deficiency; Chronic obstructive pulmonary disease. Review status: criteria provided, single submitter. Criteria: ACMG Guidelines, 2015. Collection method: clinical testing. Allele origin: germline.
Comment: SERPINA1 NM_000295.4 exon 5 p.Glu366Lys (c.1096G>A): This variant, also referred to in the literature as Glu342Lys, is commonly known as the Z allele and is responsible for a large majority of cases of alpha-1-antitrypsin deficiency (A1ATD). It has been reported in the literature in the homozygous state in numerous indivdiuals with severe A1ATD (Brantly 1991 PMID:1889260, Calapoglu 2009 PMID:19083091, Pan 2009 PMID:19444872, Ferrarotti 2012 PMID:22426792, Schaefer 2015 PMID:26310624). In the heterozygous state, it is reported to be a risk factor for COPD, emphysema, and liver disease (Bartlett 2009 PMID:19738092, Ferrarotti 2012 PMID:22426792, Thun 2012 PMID:22912729, Li 2018 PMID:30068317). This variant is also present in 2.1% (1356/64560) of European alleles in the Genome Aggregation Database, including 41 homozygotes. Please note, disease causing variants may be present in control databases at low frequencies, reflective of the general population, carrier status, and/or variable expressivity. This variant is present in ClinVar, with several labs classifying this variant as pathogenic (Variation ID:17967). Evolutionary conservation and computational predictive tools suggest that this variant may impact the protein. In addition, functional studies have shown that this variant leads to misfolding and accumulation of protein in hepatocyte endoplasmic reticulum. (Pan 2009 PMID:19444872, Kass 2012 PMID:22735536, Hughes 2013 PMID:25181470). However, these studies may not accurately represent in vivo biological function. In summary, this variant is classified as pathogenic based on the data above.

Center for Genomics, Ann and Robert H. Lurie Children's Hospital of Chicago
Classification: Pathogenic for Alpha-1-antitrypsin deficiency. Review status: criteria provided, single submitter. Criteria: ACMG Guidelines, 2015. Collection method: clinical testing. Allele origin: germline.
Comment: the same text as in the submission from Center for Genomics, Ann and Robert H. Lurie Children's Hospital of Chicago above.

Kariminejad - Najmabadi Pathology & Genetics Center
Classification: Pathogenic for Alpha-1-antitrypsin deficiency. Review status: criteria provided, single submitter. Criteria: ACMG Guidelines, 2015. Collection method: clinical testing. Allele origin: germline. Affected: no.

UNC Molecular Genetics  Laboratory, University of North Carolina at Chapel Hill
Classification: Pathogenic for Alpha-1-antitrypsin deficiency. Review status: criteria provided, single submitter. Criteria: ACMG Guidelines, 2015. Collection method: research. Allele origin: germline. Affected: no. Observed: 4 variant alleles. Study: NSIGHT-NC NEXUS.
Comment: The SERPINA1 c.1096G>A, (p.E366K) variant (also known as the Z allele) is seen in 1.1% of the human population (gnomAD). It is reported as the most common pathogenic allele associated with alpha-1 antitrypsin deficiency (AATD). Individuals homozygous for the Z allele typically have severe AATD (PMID: 15978931).

carrier finding